The following is an entry in ClinVar:

ClinVar aggregate classification (germline): Likely pathogenic. Review status: criteria provided, single submitter (1 of 4 stars). 3 submissions from 2 submitters: Likely pathogenic (1). 2 of the submissions do not count toward it. Last evaluated 2026-06-05.

Conditions:
Hemolytic anemia. Identifiers: MedGen C0002878, MONDO:0003664, HP:0001878.
HEMOGLOBIN SOUTHAMPTON.
HEMOGLOBIN CASPER.

Submissions (3):

Clinical Genetics Laboratory, Skane University Hospital Lund
Classification: Likely pathogenic for Hemolytic anemia. Last evaluated: 2026-06-05. Review status: criteria provided, single submitter. Criteria: ACMG Guidelines, 2015. Collection method: clinical testing. Allele origin: germline. Inheritance: Autosomal dominant inheritance. Affected: yes.
Comment: ACMG criteria: PS3_Supporting, PS4, PM2 and PP3.

OMIM
Classification: other for HEMOGLOBIN SOUTHAMPTON. Last evaluated: 1976-01-01. Review status: no assertion criteria provided. Collection method: literature only. Allele origin: germline. Not counted in ClinVar's aggregate classification.

OMIM
Classification: other for HEMOGLOBIN CASPER. Last evaluated: 1976-01-01. Review status: no assertion criteria provided. Collection method: literature only. Allele origin: germline. Not counted in ClinVar's aggregate classification.

Literature cited by the submitters: PubMed 4117593 (cited by OMIM); PubMed 1052170 (cited by OMIM); PubMed 4743351 (cited by OMIM); PubMed 37347497 (cited by OMIM).

NM_000518.4(HBB):c.320T>C (p.Leu107Pro)

Genes: HBB (hemoglobin subunit beta; minus strand), LOC107133510 (origin of replication at HBB; plus strand), LOC110006319 (beta-globin gene 3' regulatory region; plus strand). Cytogenetic location: 11p15.4.
Variant type: single nucleotide variant.
Coding change: c.320T>C on transcript NM_000518.4; coding-DNA position 320, T replaced by C.
Protein change: p.Leu107Pro; replaces leucine 107 with proline.
Molecular consequence: missense variant (on NM_000518.5).
Genome position (GRCh38, 1-based): chr11:5,225,722, A>G on the plus strand (T>C on the coding strand, the complement: HBB is on the minus strand). VCF-style: chr11-5225722-A-G. GRCh37 (hg19) VCF-style: chr11-5246952-A-G.
Other names: L106P; c.320T>C, p.Leu107Pro (NM_000518.5); short protein forms L107P.
Identifiers: ClinVar variation 15356 (VCV000015356.5), dbSNP rs33941844, ClinGen allele CA125174.